The following is an entry in ClinVar:

NM_001002755.2(NFU1):c.-367T>A

Gene: NFU1 (NFU1 iron-sulfur cluster scaffold; minus strand). Cytogenetic location: 2p13.3.
Variant type: single nucleotide variant.
Coding change: c.-367T>A on transcript NM_001002755.2; 367 bases upstream of the start codon, T replaced by A.
Molecular consequence: intron variant (on NM_001374284.1).
Genome position (GRCh38, 1-based): chr2:69,437,789, A>T on the plus strand (T>A on the coding strand, the complement: NFU1 is on the minus strand). VCF-style: chr2-69437789-A-T. GRCh37 (hg19) VCF-style: chr2-69664921-A-T.
Other names: c.-11+264T>A (NM_001374284.1).
Identifiers: ClinVar variation 672905 (VCV000672905.3), dbSNP rs67347664, ClinGen allele CA15171311.

ClinVar aggregate classification (germline): Benign (1 of 4 stars; one submission).

Allele frequency attached by ClinVar (database versions not stated): 1000 Genomes Project 30x 0.10290; TOPMed 0.12527; 1000 Genomes Project 0.10383.
gnomAD v4.1: 20,041 of 151,932 alleles (13%); highest among the groups gnomAD compares: Non-Finnish European, 17%; 1,521 homozygotes.

Submission:

GeneDx
Classification: Benign. Last evaluated: 2018-06-14. Review status: criteria provided, single submitter. Criteria: GeneDx Variant Classification (06012015). Collection method: clinical testing. Allele origin: germline. Affected: yes.
Comment: This variant is considered likely benign or benign based on one or more of the following criteria: it is a conservative change, it occurs at a poorly conserved position in the protein, it is predicted to be benign by multiple in silico algorithms, and/or has population frequency not consistent with disease.